The following is an entry in ClinVar:

ClinVar aggregate classification (germline): Uncertain significance (1 of 4 stars; one submission).

Allele frequency attached by ClinVar (database versions not stated): 1000 Genomes Project 30x 0.00047; gnomAD exomes 0.00001; TOPMed 0.00003; ExAC 0.00004; gnomAD 0.00002; 1000 Genomes Project 0.00040.
gnomAD v4.1: 21 of 1,614,054 alleles (0.0013%); highest among the groups gnomAD compares: Admixed American, 0.01%; no homozygotes.

Submission:

Labcorp Genetics (formerly Invitae), Labcorp
Classification: Uncertain significance. Last evaluated: 2025-07-18. Review status: criteria provided, single submitter. Criteria: Invitae Variant Classification Sherloc (09022015). Collection method: clinical testing. Allele origin: germline.
Comment: This sequence change replaces arginine, which is basic and polar, with tryptophan, which is neutral and slightly polar, at codon 741 of the GSN protein (p.Arg741Trp). This variant is present in population databases (rs546941257, gnomAD 0.01%). This variant has not been reported in the literature in individuals affected with GSN-related conditions. ClinVar contains an entry for this variant (Variation ID: 2882591). Invitae Evidence Modeling of protein sequence and biophysical properties (such as structural, functional, and spatial information, amino acid conservation, physicochemical variation, residue mobility, and thermodynamic stability) indicates that this missense variant is expected to disrupt GSN protein function with a positive predictive value of 80%. In summary, the available evidence is currently insufficient to determine the role of this variant in disease. Therefore, it has been classified as a Variant of Uncertain Significance.

NM_198252.3(GSN):c.2068C>T (p.Arg690Trp)

Gene: GSN (gelsolin; plus strand). Cytogenetic location: 9q33.2.
Variant type: single nucleotide variant.
Coding change: c.2068C>T on transcript NM_198252.3 (MANE Select); coding-DNA position 2068, C replaced by T.
Protein change: p.Arg690Trp; replaces arginine 690 with tryptophan.
Molecular consequence: missense variant.
Genome position (GRCh38, 1-based): chr9:121,332,475, C>T. VCF-style: chr9-121332475-C-T. GRCh37 (hg19) VCF-style: chr9-124094753-C-T.
Other names: c.2221C>T, p.Arg741Trp (NM_000177.5); c.2068C>T, p.Arg690Trp (NM_001127662.2, NM_001127664.2, NM_001127665.2 and 10 more transcripts); c.2176C>T, p.Arg726Trp (NM_001127663.2); c.2101C>T, p.Arg701Trp (NM_001127666.2, NM_001127667.2, NM_001353063.2 and 13 more transcripts); c.2119C>T, p.Arg707Trp (NM_001258029.2); c.2092C>T, p.Arg698Trp (NM_001258030.2); c.2140C>T, p.Arg714Trp (NM_001353076.2); c.1414C>T, p.Arg472Trp (NM_001353078.2); short protein forms R698W, R741W, R472W, R690W, R701W, R707W, R714W, R726W.
Identifiers: ClinVar variation 2882591 (VCV002882591.3), dbSNP rs546941257, ClinGen allele CA5221536.
Genomic context (GRCh38, chr9:121,332,475, plus strand): 5'-CTTGCACGTGTGTCTGCAGCTAAGCGGTACATCGAGACGGACCCAGCCAATCGGGATCGG[C>T]GGACGCCCATCACCGTGGTGAAGCAAGGCTTTGAGCCTCCCTCCTTTGTGGGCTGGTTCC-3'
Protein context (NP_937895.1, residues 680-700): IETDPANRDR[Arg690Trp]TPITVVKQGF